The following is an entry in ClinVar:

ClinVar aggregate classification (germline): Uncertain significance (1 of 4 stars; one submission).

Conditions:
Inborn genetic diseases. Identifiers: MedGen C0950123, MeSH D030342.

Submission:

Ambry Genetics
Classification: Uncertain significance for Inborn genetic diseases. Last evaluated: 2016-08-15. Review status: criteria provided, single submitter. Criteria: Ambry Variant Classification Scheme 2023. Collection method: clinical testing. Allele origin: germline.
Comment: The p.G346R variant (also known as c.1036G>C), located in coding exon 8 of the CTSD gene, results from a G to C substitution at nucleotide position 1036. The glycine at codon 346 is replaced by arginine, an amino acid with dissimilar properties. This variant was not reported in population based cohorts in the following databases: Database of Single Nucleotide Polymorphisms (dbSNP), NHLBI Exome Sequencing Project (ESP), and 1000 Genomes Project. In the ESP, this variant was not observed in 6501 samples (13002 alleles) with coverage at this position. This amino acid position is poorly conserved in available vertebrate species. In addition, this alteration is predicted to be tolerated by in silico analysis. Since supporting evidence is limited at this time, the clinical significance of this variant remains unclear.

NM_001909.5(CTSD):c.1036G>C (p.Gly346Arg)

Gene: CTSD (cathepsin D; minus strand). Cytogenetic location: 11p15.5.
Variant type: single nucleotide variant.
Coding change: c.1036G>C on transcript NM_001909.5 (MANE Select); coding-DNA position 1036, G replaced by C.
Protein change: p.Gly346Arg; replaces glycine 346 with arginine.
Molecular consequence: missense variant.
Genome position (GRCh38, 1-based): chr11:1,753,838, C>G on the plus strand (G>C on the coding strand, the complement: CTSD is on the minus strand). VCF-style: chr11-1753838-C-G. GRCh37 (hg19) VCF-style: chr11-1775068-C-G.
Other names: short protein forms G346R.
Identifiers: ClinVar variation 588143 (VCV000588143.5), dbSNP rs1565018716, ClinGen allele CA379093151.